The following is an entry in ClinVar:

ClinVar aggregate classification (germline): Uncertain significance. Review status: criteria provided, multiple submitters, no conflicts (2 of 4 stars). 7 submissions from 3 submitters: Uncertain significance (7). Last evaluated 2025-05-01.

Conditions:
Epilepsy, idiopathic generalized, susceptibility to, 12 (EIG12). Identifiers: MedGen C3553859, MONDO:0013919, OMIM 614847.
Hereditary cryohydrocytosis with reduced stomatin. Also called: GLUT1 DEFICIENCY SYNDROME WITH PSEUDOHYPERKALEMIA AND HEMOLYSIS; Stomatin-deficient cryohydrocytosis with neurologic defects. Identifiers: Orphanet 168577, MedGen C1837206, MONDO:0012143, OMIM 608885.
Dystonia 9 (DYT9). Also called: CHOREOATHETOSIS, KINESIGENIC, WITH EPISODIC ATAXIA AND SPASTICITY. Identifiers: Orphanet 53583, MedGen C1832855, MONDO:0010983, OMIM 601042.
Childhood onset GLUT1 deficiency syndrome 2. Also called: GLUT1 deficiency syndrome 2; PxMD-SLC2A1; Exertion-induced paroxysmal dyskinesia; PAROXYSMAL EXERCISE-INDUCED DYSKINESIA WITH OR WITHOUT EPILEPSY AND/OR HEMOLYTIC ANEMIA; PAROXYSMAL EXERTION-INDUCED DYSTONIA WITH OR WITHOUT EPILEPSY AND/OR HEMOLYTIC ANEMIA; PED WITH OR WITHOUT EPILEPSY AND/OR HEMOLYTIC ANEMIA. Identifiers: Orphanet 98811, MedGen C1842534, MONDO:0012805, OMIM 612126.
GLUT1 deficiency syndrome 1, autosomal recessive. Identifiers: MedGen C3149117.
Encephalopathy due to GLUT1 deficiency. Also called: GLUT1 deficiency syndrome 1, infantile onset, severe; GLUCOSE TRANSPORT DEFECT, BLOOD-BRAIN BARRIER; Classic Glucose Transporter Type 1 Deficiency Syndrome; De Vivo disease; GLUT1 deficiency syndrome 1; Glucose transporter protein syndrome. Identifiers: Orphanet 71277, MedGen C4551966, MONDO:0011724, OMIM 606777.

Allele frequency attached by ClinVar (database versions not stated): gnomAD exomes below 0.00001; TOPMed below 0.00001.
gnomAD v4.1: 1 of 1,614,120 alleles (0.000062%); highest among the groups gnomAD compares: Admixed American, 0.0017%; no homozygotes.

Submissions (7):

Labcorp Genetics (formerly Invitae), Labcorp
Classification: Uncertain significance for GLUT1 deficiency syndrome 1, autosomal recessive. Last evaluated: 2025-05-01. Review status: criteria provided, single submitter. Criteria: Invitae Variant Classification Sherloc (09022015). Collection method: clinical testing. Allele origin: germline.
Comment: This sequence change replaces glycine, which is neutral and non-polar, with valine, which is neutral and non-polar, at codon 53 of the SLC2A1 protein (p.Gly53Val). This variant is not present in population databases (gnomAD no frequency). This variant has not been reported in the literature in individuals affected with SLC2A1-related conditions. ClinVar contains an entry for this variant (Variation ID: 207188). Invitae Evidence Modeling incorporating data from in vitro experimental studies (internal data) indicates that this missense variant is not expected to disrupt SLC2A1 function with a negative predictive value of 95%. In summary, the available evidence is currently insufficient to determine the role of this variant in disease. Therefore, it has been classified as a Variant of Uncertain Significance.

GeneDx
Classification: Uncertain significance. Last evaluated: 2024-10-01. Review status: criteria provided, single submitter. Criteria: GeneDx Variant Classification Process June 2021. Collection method: clinical testing. Allele origin: germline. Affected: yes.
Comment: In silico analysis supports that this missense variant has a deleterious effect on protein structure/function; Has not been previously published as pathogenic or benign to our knowledge

Genome-Nilou Lab
Classification: Uncertain significance for Epilepsy, idiopathic generalized, susceptibility to, 12. Last evaluated: 2023-04-11. Review status: criteria provided, single submitter. Criteria: ACMG Guidelines, 2015. Collection method: clinical testing. Allele origin: germline. Affected: no.

Genome-Nilou Lab
Classification: Uncertain significance for Dystonia 9. Last evaluated: 2023-04-11. Review status: criteria provided, single submitter. Criteria: ACMG Guidelines, 2015. Collection method: clinical testing. Allele origin: germline. Affected: no.

Genome-Nilou Lab
Classification: Uncertain significance for Encephalopathy due to GLUT1 deficiency. Last evaluated: 2023-04-11. Review status: criteria provided, single submitter. Criteria: ACMG Guidelines, 2015. Collection method: clinical testing. Allele origin: germline. Affected: no.

Genome-Nilou Lab
Classification: Uncertain significance for Childhood onset GLUT1 deficiency syndrome 2. Last evaluated: 2023-04-11. Review status: criteria provided, single submitter. Criteria: ACMG Guidelines, 2015. Collection method: clinical testing. Allele origin: germline. Affected: no.

Genome-Nilou Lab
Classification: Uncertain significance for Hereditary cryohydrocytosis with reduced stomatin. Last evaluated: 2023-04-11. Review status: criteria provided, single submitter. Criteria: ACMG Guidelines, 2015. Collection method: clinical testing. Allele origin: germline. Affected: no.

NM_006516.4(SLC2A1):c.158G>T (p.Gly53Val)

Gene: SLC2A1 (solute carrier family 2 member 1; minus strand). Cytogenetic location: 1p34.2.
Variant type: single nucleotide variant.
Coding change: c.158G>T on transcript NM_006516.4 (MANE Select); coding-DNA position 158, G replaced by T.
Protein change: p.Gly53Val; replaces glycine 53 with valine.
Molecular consequence: missense variant.
Genome position (GRCh38, 1-based): chr1:42,931,163, C>A on the plus strand (G>T on the coding strand, the complement: SLC2A1 is on the minus strand). VCF-style: chr1-42931163-C-A. GRCh37 (hg19) VCF-style: chr1-43396834-C-A.
Other names: p.G53V:GGG>GTG; short protein forms G53V.
Identifiers: ClinVar variation 207188 (VCV000207188.13), dbSNP rs796053246, ClinGen allele CA318423.